The following is an entry in ClinVar:

ClinVar aggregate classification (germline): Uncertain significance (1 of 4 stars; one submission).

Conditions:
Inborn genetic diseases. Identifiers: MedGen C0950123, MeSH D030342.

gnomAD v4.1: 5 of 1,601,642 alleles (0.00031%); highest among the groups gnomAD compares: South Asian, 0.0011%; no homozygotes.

Submission:

Ambry Genetics
Classification: Uncertain significance for Inborn genetic diseases. Last evaluated: 2025-06-02. Review status: criteria provided, single submitter. Criteria: Ambry Variant Classification Scheme 2023. Collection method: clinical testing. Allele origin: germline.
Comment: The p.G790V variant (also known as c.2369G>T), located in coding exon 14 of the RECQL4 gene, results from a G to T substitution at nucleotide position 2369. The glycine at codon 790 is replaced by valine, an amino acid with dissimilar properties. This amino acid position is conserved. In addition, this alteration is predicted to be deleterious by in silico analysis. Based on the available evidence, the clinical significance of this variant remains unclear.

NM_004260.4(RECQL4):c.2369G>T (p.Gly790Val)

Gene: RECQL4 (RecQ like helicase 4; minus strand). Cytogenetic location: 8q24.3.
Variant type: single nucleotide variant.
Coding change: c.2369G>T on transcript NM_004260.4 (MANE Select); coding-DNA position 2369, G replaced by T.
Protein change: p.Gly790Val; replaces glycine 790 with valine.
Molecular consequence: missense variant. On other transcripts: non-coding transcript variant (3), intron variant (3).
Genome position (GRCh38, 1-based): chr8:144,513,312, C>A on the plus strand (G>T on the coding strand, the complement: RECQL4 is on the minus strand). VCF-style: chr8-144513312-C-A. GRCh37 (hg19) VCF-style: chr8-145738695-C-A.
Other names: c.2018G>T, p.Gly673Val (NM_001413029.1); c.1232G>T, p.Gly411Val (NM_001413030.1, NM_001413032.1, NM_001413041.1 and 1 more transcripts); c.1100G>T, p.Gly367Val (NM_001413031.1); c.2237G>T, p.Gly746Val (NM_001413033.1); c.1298G>T, p.Gly433Val (NM_001413034.1, NM_001413035.1, NM_001413040.1 and 5 more transcripts); c.2369G>T, p.Gly790Val (NM_001413036.1, NM_001413019.1); c.1166G>T, p.Gly389Val (NM_001413037.1); c.2339G>T, p.Gly780Val (NM_001413039.1); and 7 more; short protein forms G301V, G367V, G411V, G673V, G780V, G389V, G423V, G746V.
Identifiers: ClinVar variation 3944348 (VCV003944348.1).
Genomic context (GRCh38, chr8:144,513,312, plus strand): 5'-TGCCCGTCACGCCCGGCCCGGCCCACGGCCTGCACGTAGCTCTCGAAGCTTGGGGGCAGC[C>A]CCAGATGCAGCACAGCCCGCACATCTGGCCGGTCCAGCCCCATCCCAAAGGCCACCGTGG-3'
Protein context (NP_004251.4, residues 780-800): RPDVRAVLHL[Gly790Val]LPPSFESYVQ